The following is an entry in ClinVar:

NM_000038.6(APC):c.6453A>C (p.Thr2151=)

Gene: APC (APC regulator of Wnt signaling pathway; plus strand). Cytogenetic location: 5q22.2.
Variant type: single nucleotide variant.
Coding change: c.6453A>C on transcript NM_000038.6 (MANE Select); coding-DNA position 6453, A replaced by C.
Protein change: p.Thr2151=; no amino-acid change (threonine 2151 retained).
Molecular consequence: synonymous variant.
Genome position (GRCh38, 1-based): chr5:112,842,047, A>C. VCF-style: chr5-112842047-A-C. GRCh37 (hg19) VCF-style: chr5-112177744-A-C.
Other names: c.6180A>C, p.Thr2060= (NM_001354902.2); c.6150A>C, p.Thr2050= (NM_001354903.2); c.6075A>C, p.Thr2025= (NM_001354904.2); c.5973A>C, p.Thr1991= (NM_001354905.2); c.5604A>C, p.Thr1868= (NM_001354906.2); c.6453A>C, p.Thr2151= (NM_001127510.3, NM_001354895.2); c.6399A>C, p.Thr2133= (NM_001127511.3); c.6507A>C, p.Thr2169= (NM_001354896.2); and 5 more.
Identifiers: ClinVar variation 391942 (VCV000391942.27), dbSNP rs1057524298, ClinGen allele CA16604799.
Genomic context (GRCh38, chr5:112,842,047, plus strand): 5'-TTCAGATTCCATCCTTTCCCTGAAATCAGGAATCTCTCTGGGATCACCATTTCATCTTAC[A>C]CCTGATCAAGAAGAAAAACCCTTTACAAGTAATAAAGGCCCACGAATTCTAAAACCAGGG-3'
Protein context (NP_000029.2, residues 2141-2161): GISLGSPFHL[Thr2151=]PDQEEKPFTS

ClinVar aggregate classification (germline): Conflicting classifications of pathogenicity. Review status: criteria provided, conflicting classifications (1 of 4 stars). 9 submissions from 9 submitters: Uncertain significance (1); Benign (1); Likely benign (6). 1 of the submissions does not count toward it. Last evaluated 2025-12-21.

Conditions:
Classic or attenuated familial adenomatous polyposis. Identifiers: MedGen CN372698, MONDO:0021057.
Hereditary cancer-predisposing syndrome. Also called: Neoplastic Syndromes, Hereditary; Hereditary Cancer Syndrome; Tumor predisposition; Hereditary neoplastic syndrome. Identifiers: Orphanet 140162, MedGen C0027672, MeSH D009386, MONDO:0015356.
APC-related disorder. Also called: APC-related condition.
Familial adenomatous polyposis 1 (FAP1). Also called: FAMILIAL ADENOMATOUS POLYPOSIS 1, ATTENUATED; POLYPOSIS, ADENOMATOUS INTESTINAL. Identifiers: MedGen C2713442, MONDO:0021056, OMIM 175100. Disease mechanism: loss of function.

Allele frequency attached by ClinVar (database versions not stated): TOPMed below 0.00001; gnomAD exomes 0.00001.
gnomAD v4.1: 3 of 1,613,148 alleles (0.00019%); highest among the groups gnomAD compares: Non-Finnish European, 0.00025%; no homozygotes.

Submissions (9):

Labcorp Genetics (formerly Invitae), Labcorp
Classification: Likely benign for Familial adenomatous polyposis 1. Last evaluated: 2025-12-21. Review status: criteria provided, single submitter. Criteria: Invitae Variant Classification Sherloc (09022015). Collection method: clinical testing. Allele origin: germline.

Quest Diagnostics Nichols Institute San Juan Capistrano
Classification: Uncertain significance. Last evaluated: 2025-04-07. Review status: criteria provided, single submitter. Criteria: Quest Diagnostics criteria. Collection method: clinical testing. Allele origin: unknown.
Comment: The APC c.6453A>C (p.Thr2151=) synonymous variant has not been reported in individuals with APC-related conditions in the published literature. It also has not been reported in large, multi-ethnic general populations (Genome Aggregation Database). Analysis of this variant using software algorithms for the prediction of the effect of nucleotide changes on splicing yielded predictions that this variant does not affect APC mRNA splicing. Based on the available information, we are unable to determine the clinical significance of this variant.

Myriad Genetics, Inc.
Classification: Benign for Familial adenomatous polyposis 1. Last evaluated: 2024-04-04. Review status: criteria provided, single submitter. Criteria: Myriad Autosomal Dominant, Autosomal Recessive and X-Linked Classification Criteria (2023). Collection method: clinical testing. Allele origin: unknown.
Comment: This variant is considered benign. This variant is a silent/synonymous amino acid change and it is not expected to impact splicing.

All of Us Research Program, National Institutes of Health
Classification: Likely benign for Classic or attenuated familial adenomatous polyposis. Last evaluated: 2023-12-13. Review status: criteria provided, single submitter. Criteria: ACMG Guidelines, 2015. Collection method: clinical testing. Allele origin: germline. Inheritance: Autosomal dominant inheritance. Observed: 6 variant alleles, 6 heterozygotes.
Comment: This study involves interpretation of variants in research participants for the purpose of population health screening. Participant phenotype was not available at the time of variant classification. Additional details can be found in publication PMID: 35346344, PMCID: PMC8962531

Women's Health and Genetics/Laboratory Corporation of America, LabCorp
Classification: Likely benign. Last evaluated: 2023-09-07. Review status: criteria provided, single submitter. Criteria: LabCorp Variant Classification Summary - May 2015. Collection method: clinical testing. Allele origin: germline.

GeneDx
Classification: Likely benign. Last evaluated: 2018-12-06. Review status: criteria provided, single submitter. Criteria: GeneDx Variant Classification Process June 2021. Collection method: clinical testing. Allele origin: germline. Affected: yes.

Color Diagnostics, LLC DBA Color Health
Classification: Likely benign for Hereditary cancer-predisposing syndrome. Last evaluated: 2016-09-11. Review status: criteria provided, single submitter. Criteria: ACMG Guidelines, 2015. Collection method: clinical testing. Allele origin: germline.

Ambry Genetics
Classification: Likely benign for Hereditary cancer-predisposing syndrome. Last evaluated: 2015-06-01. Review status: criteria provided, single submitter. Criteria: Ambry Variant Classification Scheme 2023. Collection method: clinical testing. Allele origin: germline.

PreventionGenetics, part of Exact Sciences
Classification: Likely benign for APC-related condition. Last evaluated: 2022-10-18. Review status: no assertion criteria provided. Collection method: clinical testing. Allele origin: germline. Not counted in ClinVar's aggregate classification.
Comment: This variant is classified as likely benign based on ACMG/AMP sequence variant interpretation guidelines (Richards et al. 2015 PMID: 25741868, with internal and published modifications).